The following is an entry in ClinVar:

NM_014994.3(MAPKBP1):c.2025T>G (p.Ser675=)

Gene: MAPKBP1 (mitogen-activated protein kinase binding protein 1; plus strand). Cytogenetic location: 15q15.1.
Variant type: single nucleotide variant.
Coding change: c.2025T>G on transcript NM_014994.3 (MANE Select); coding-DNA position 2025, T replaced by G.
Protein change: p.Ser675=; no amino-acid change (serine 675 retained).
Molecular consequence: synonymous variant. On other transcripts: non-coding transcript variant (2).
Genome position (GRCh38, 1-based): chr15:41,818,238, T>G. VCF-style: chr15-41818238-T-G. GRCh37 (hg19) VCF-style: chr15-42110436-T-G.
Other names: c.2043T>G, p.Ser681= (NM_001128608.2); c.2025T>G, p.Ser675= (NM_001265611.2).
Identifiers: ClinVar variation 2189236 (VCV002189236.4), dbSNP rs762173892, ClinGen allele CA7498037.

ClinVar aggregate classification (germline): Uncertain significance (1 of 4 stars; one submission).

Allele frequency attached by ClinVar (database versions not stated): gnomAD exomes below 0.00001; ExAC 0.00001; gnomAD 0.00001.
gnomAD v4.1: 2 of 1,614,062 alleles (0.00012%); highest among the groups gnomAD compares: African/African-American, 0.0027%; no homozygotes.

Submission:

Labcorp Genetics (formerly Invitae), Labcorp
Classification: Uncertain significance. Last evaluated: 2022-08-22. Review status: criteria provided, single submitter. Criteria: Invitae Variant Classification Sherloc (09022015). Collection method: clinical testing. Allele origin: germline.
Comment: In summary, the available evidence is currently insufficient to determine the role of this variant in disease. Therefore, it has been classified as a Variant of Uncertain Significance. Algorithms developed to predict the effect of sequence changes on RNA splicing suggest that this variant may disrupt the consensus splice site. This variant has not been reported in the literature in individuals affected with MAPKBP1-related conditions. This variant is not present in population databases (gnomAD no frequency). This sequence change affects codon 681 of the MAPKBP1 mRNA. It is a 'silent' change, meaning that it does not change the encoded amino acid sequence of the MAPKBP1 protein.